The following is an entry in ClinVar:

NC_000016.9:g.(?_68721395)_(68725849_?)del

Gene: CDH3 (cadherin 3; plus strand). Cytogenetic location: 16q22.1.
Variant type: Deletion.
Identifiers: ClinVar variation 2424244 (VCV002424244.4).

ClinVar aggregate classification (germline): Uncertain significance (1 of 4 stars; one submission).

Submission:

Labcorp Genetics (formerly Invitae), Labcorp
Classification: Uncertain significance. Last evaluated: 2022-05-04. Review status: criteria provided, single submitter. Criteria: Invitae Variant Classification Sherloc (09022015). Collection method: clinical testing. Allele origin: germline.
Comment: In summary, the available evidence is currently insufficient to determine the role of this variant in disease. Therefore, it has been classified as a Variant of Uncertain Significance. This variant disrupts a region of the CDH3 protein in which other variant(s) (p.His575Arg) have been observed in individuals with CDH3-related conditions (PMID: 17342797). This suggests that this is a clinically significant region of the protein, and that variants that disrupt it are likely to be disease-causing. A similar copy number variant has been observed in individual(s) with hypotrichosis with juvenile macular dystrophy (PMID: 23143461). This variant is a gross deletion of the genomic region encompassing exon(s) 12-13 of the CDH3 gene. This variant would be expected to be in-frame, preserving the integrity of the reading frame.

Literature cited by the submitters: PubMed 17342797; PubMed 23143461.